The following is an entry in ClinVar:

ClinVar aggregate classification (germline): Pathogenic/Likely pathogenic. Review status: criteria provided, multiple submitters, no conflicts (2 of 4 stars). 5 submissions from 5 submitters: Pathogenic (3); Likely pathogenic (1). 1 of the submissions does not count toward it. Last evaluated 2025-09-29.

Conditions:
Autosomal recessive osteopetrosis 1. Also called: TCIRG1-Related Autosomal Recessive Osteopetrosis; ALBERS-SCHONBERG DISEASE, AUTOSOMAL RECESSIVE; TCIRG1-Related Osteopetrosis. Identifiers: Orphanet 667, MedGen C1850127, MONDO:0009815, OMIM 259700.

Allele frequency attached by ClinVar (database versions not stated): TOPMed 0.00007; gnomAD 0.00006 and 0.00007.
gnomAD v4.1: 15 of 1,613,258 alleles (0.00093%); highest among the groups gnomAD compares: Admixed American, 0.023%; no homozygotes.

Submissions (5):

Natera, Inc.
Classification: Pathogenic for Infantile malignant osteopetrosis. Last evaluated: 2025-09-29. Review status: criteria provided, single submitter. Criteria: Natera Variant Classification Schema (03/2026). Collection method: clinical testing. Allele origin: germline.
Comment: The c.1331G>T variant in TCIRG1 is a missense variant predicted to cause substitution of arginine to leucine at amino acid 444. This variant is rare in the general population with a frequency below the threshold expected for the associated phenotype(s). This variant has been observed in one or more individuals affected with the associated recessive disease, as either homozygous or compound heterozygous with a second variant (PMID: 11532986). Computational prediction algorithms indicate this variant is likely to affect gene or protein function. Given the available evidence, this variant is classified as Pathogenic.

Fulgent Genetics
Classification: Pathogenic for Autosomal recessive osteopetrosis 1. Last evaluated: 2024-01-05. Review status: criteria provided, single submitter. Criteria: ACMG Guidelines, 2015. Collection method: clinical testing. Allele origin: germline.

Baylor Genetics
Classification: Likely pathogenic for Autosomal recessive osteopetrosis 1. Last evaluated: 2023-12-27. Review status: criteria provided, single submitter. Criteria: ACMG Guidelines, 2015. Collection method: clinical testing. Allele origin: unknown.

Labcorp Genetics (formerly Invitae), Labcorp
Classification: Pathogenic. Last evaluated: 2023-03-20. Review status: criteria provided, single submitter. Criteria: Invitae Variant Classification Sherloc (09022015). Collection method: clinical testing. Allele origin: germline.
Comment: This sequence change replaces arginine, which is basic and polar, with leucine, which is neutral and non-polar, at codon 444 of the TCIRG1 protein (p.Arg444Leu). This variant is present in population databases (rs137853151, gnomAD 0.01%). This missense change has been observed in individuals with infantile malignant osteopetrosis (PMID: 11532986). ClinVar contains an entry for this variant (Variation ID: 5464). Advanced modeling of protein sequence and biophysical properties (such as structural, functional, and spatial information, amino acid conservation, physicochemical variation, residue mobility, and thermodynamic stability) performed at Invitae indicates that this missense variant is expected to disrupt TCIRG1 protein function. Experimental studies have shown that this missense change affects TCIRG1 function (PMID: 22685294). For these reasons, this variant has been classified as Pathogenic.

OMIM
Classification: Pathogenic for OSTEOPETROSIS, AUTOSOMAL RECESSIVE 1. Last evaluated: 2001-08-15. Review status: no assertion criteria provided. Collection method: literature only. Allele origin: germline. Not counted in ClinVar's aggregate classification.

Literature cited by the submitters: PubMed 11532986 (cited by 3 submitters); PubMed 22685294 (cited by Labcorp Genetics (formerly Invitae), Labcorp).

NM_006019.4(TCIRG1):c.1331G>T (p.Arg444Leu)

Gene: TCIRG1 (T cell immune regulator 1, ATPase H+ transporting V0 subunit a3; plus strand). Cytogenetic location: 11q13.2.
Variant type: single nucleotide variant.
Coding change: c.1331G>T on transcript NM_006019.4 (MANE Select); coding-DNA position 1331, G replaced by T.
Protein change: p.Arg444Leu; replaces arginine 444 with leucine.
Molecular consequence: missense variant.
Genome position (GRCh38, 1-based): chr11:68,047,672, G>T. VCF-style: chr11-68047672-G-T. GRCh37 (hg19) VCF-style: chr11-67815139-G-T.
Other names: c.437G>T, p.Arg146Leu (NM_001351059.2); c.683G>T, p.Arg228Leu (NM_006053.4); c.1331G>T (NM_006019.3); short protein forms R444L, R228L, R146L.
Identifiers: ClinVar variation 5464 (VCV000005464.9), dbSNP rs137853151, ClinGen allele CA117547.